The following is an entry in ClinVar:

ClinVar aggregate classification (germline): Uncertain significance (1 of 4 stars; one submission).

Allele frequency attached by ClinVar (database versions not stated): TOPMed 0.00001; gnomAD 0.00003; ExAC 0.00006.
gnomAD v4.1: 41 of 1,596,798 alleles (0.0026%); highest among the groups gnomAD compares: African/African-American, 0.0054%; no homozygotes.

Submission:

Labcorp Genetics (formerly Invitae), Labcorp
Classification: Uncertain significance. Last evaluated: 2022-06-09. Review status: criteria provided, single submitter. Criteria: Invitae Variant Classification Sherloc (09022015). Collection method: clinical testing. Allele origin: germline.
Comment: This sequence change replaces arginine, which is basic and polar, with histidine, which is basic and polar, at codon 283 of the SLC26A1 protein (p.Arg283His). The frequency data for this variant in the population databases is considered unreliable, as metrics indicate poor data quality at this position in the gnomAD database. In summary, the available evidence is currently insufficient to determine the role of this variant in disease. Therefore, it has been classified as a Variant of Uncertain Significance. Algorithms developed to predict the effect of missense changes on protein structure and function (SIFT, PolyPhen-2, Align-GVGD) all suggest that this variant is likely to be disruptive. This variant has not been reported in the literature in individuals affected with SLC26A1-related conditions.

NM_022042.4(SLC26A1):c.848G>A (p.Arg283His)

Genes: IDUA (alpha-L-iduronidase; plus strand), SLC26A1 (solute carrier family 26 member 1; minus strand). Cytogenetic location: 4p16.3.
Variant type: single nucleotide variant.
Coding change: c.848G>A on transcript NM_022042.4 (MANE Select); coding-DNA position 848, G replaced by A.
Protein change: p.Arg283His; replaces arginine 283 with histidine.
Molecular consequence: missense variant. On other transcripts: intron variant (2).
Genome position (GRCh38, 1-based): chr4:990,091, C>T on the plus strand (G>A on the coding strand, the complement: SLC26A1 is on the minus strand). VCF-style: chr4-990091-C-T. GRCh37 (hg19) VCF-style: chr4-983879-C-T.
Other names: c.848G>A, p.Arg283His (NM_213613.4); c.576+1037G>A (NM_134425.4); c.299+2142C>T (NM_000203.5); short protein forms R283H.
Identifiers: ClinVar variation 1898157 (VCV001898157.5), dbSNP rs776919627, ClinGen allele CA2801529.